The following is an entry in ClinVar:

NM_025243.4(SLC19A3):c.1409T>G (p.Val470Gly)

Gene: SLC19A3 (solute carrier family 19 member 3; minus strand). Cytogenetic location: 2q36.3.
Variant type: single nucleotide variant.
Coding change: c.1409T>G on transcript NM_025243.4 (MANE Select); coding-DNA position 1409, T replaced by G.
Protein change: p.Val470Gly; replaces valine 470 with glycine.
Molecular consequence: missense variant.
Genome position (GRCh38, 1-based): chr2:227,687,479, A>C on the plus strand (T>G on the coding strand, the complement: SLC19A3 is on the minus strand). VCF-style: chr2-227687479-A-C. GRCh37 (hg19) VCF-style: chr2-228552195-A-C.
Other names: c.1409T>G, p.Val470Gly (NM_001371411.1, NM_001371412.1); c.1397T>G, p.Val466Gly (NM_001371413.1, NM_001371414.1); c.1409T>G (NM_025243.3); short protein forms V466G, V470G.
Identifiers: ClinVar variation 1059813 (VCV001059813.10), dbSNP rs1049927448, ClinGen allele CA66655295.
Genomic context (GRCh38, chr2:227,687,479, plus strand): 5'-ATATTACTCTCTTCCTCTGGGTGAGACACATCTGGATTCTCACTTGGAGCAGGGCTCTGT[A>C]CATCCTTCTGGGATTTGGTTGAGTAGGTAATATACATGCTTCTCATTAGGAAAATTCCAG-3'
Protein context (NP_079519.1, residues 460-480): ITYSTKSQKD[Val470Gly]QSPAPSENPD

ClinVar aggregate classification (germline): Uncertain significance. Review status: criteria provided, multiple submitters, no conflicts (2 of 4 stars). 2 submissions from 2 submitters: Uncertain significance (2). Last evaluated 2024-02-03.

Conditions:
Biotin-responsive basal ganglia disease (BTBGD). Also called: Thiamine Transporter-2 Deficiency; thiamine-responsive encephalopathy; Thiamine metabolism dysfunction syndrome 2 (biotin- or thiamine-responsive encephalopathy type 2); Thiamine metabolism dysfunction syndrome type 2; THIAMINE METABOLISM DYSFUNCTION SYNDROME 2 (BIOTIN- AND THIAMINE-RESPONSIVE TYPE). Identifiers: Orphanet 199348, Orphanet 65284, MedGen C1843807, MONDO:0011841, OMIM 607483.

Allele frequency attached by ClinVar (database versions not stated): TOPMed below 0.00001; gnomAD 0.00001; gnomAD exomes 0.00001 and 0.00002.
gnomAD v4.1: 32 of 1,614,044 alleles (0.002%); highest among the groups gnomAD compares: Non-Finnish European, 0.0026%; no homozygotes.

Submissions (2):

GeneDx
Classification: Uncertain significance. Last evaluated: 2024-02-03. Review status: criteria provided, single submitter. Criteria: GeneDx Variant Classification Process June 2021. Collection method: clinical testing. Allele origin: germline. Affected: yes.
Comment: Not observed at significant frequency in large population cohorts (gnomAD); In silico analysis supports that this missense variant does not alter protein structure/function; Has not been previously published as pathogenic or benign to our knowledge

Labcorp Genetics (formerly Invitae), Labcorp
Classification: Uncertain significance for Biotin-responsive basal ganglia disease. Last evaluated: 2022-02-04. Review status: criteria provided, single submitter. Criteria: Invitae Variant Classification Sherloc (09022015). Collection method: clinical testing. Allele origin: germline.
Comment: ClinVar contains an entry for this variant (Variation ID: 1059813). This variant has not been reported in the literature in individuals affected with SLC19A3-related conditions. This variant is present in population databases (no rsID available, gnomAD 0.003%). This sequence change replaces valine, which is neutral and non-polar, with glycine, which is neutral and non-polar, at codon 470 of the SLC19A3 protein (p.Val470Gly). Advanced modeling of protein sequence and biophysical properties (such as structural, functional, and spatial information, amino acid conservation, physicochemical variation, residue mobility, and thermodynamic stability) performed at Invitae indicates that this missense variant is not expected to disrupt SLC19A3 protein function. In summary, the available evidence is currently insufficient to determine the role of this variant in disease. Therefore, it has been classified as a Variant of Uncertain Significance.